The following is an entry in ClinVar:

ClinVar aggregate classification (germline): Uncertain significance. Review status: criteria provided, multiple submitters, no conflicts (2 of 4 stars). 2 submissions from 2 submitters: Uncertain significance (2). Last evaluated 2025-08-11.

Conditions:
KIDINS220-related disorder. Also called: KIDINS220-related condition.

Allele frequency attached by ClinVar (database versions not stated): ExAC 0.00001; gnomAD 0.00001; gnomAD exomes 0.00001; TOPMed 0.00002.
gnomAD v4.1: 26 of 1,613,998 alleles (0.0016%); highest among the groups gnomAD compares: South Asian, 0.0022%; no homozygotes.

Submissions (2):

PreventionGenetics, part of Exact Sciences
Classification: Uncertain significance for KIDINS220-related condition. Last evaluated: 2025-08-11. Review status: criteria provided, single submitter. Criteria: ACMG Guidelines, 2015. Collection method: clinical testing. Allele origin: germline.
Comment: The KIDINS220 c.2549G>A variant is predicted to result in the amino acid substitution p.Ser850Asn. To our knowledge, this variant has not been reported in the literature. This variant is reported in 0.0033% of alleles in individuals of South Asian descent in gnomAD. At this time, the clinical significance of this variant is uncertain due to the absence of conclusive functional and genetic evidence.

Labcorp Genetics (formerly Invitae), Labcorp
Classification: Uncertain significance. Last evaluated: 2022-03-11. Review status: criteria provided, single submitter. Criteria: Invitae Variant Classification Sherloc (09022015). Collection method: clinical testing. Allele origin: germline.
Comment: This sequence change replaces serine, which is neutral and polar, with asparagine, which is neutral and polar, at codon 850 of the KIDINS220 protein (p.Ser850Asn). This variant is present in population databases (rs368726968, gnomAD 0.003%). This variant has not been reported in the literature in individuals affected with KIDINS220-related conditions. Algorithms developed to predict the effect of missense changes on protein structure and function (SIFT, PolyPhen-2, Align-GVGD) all suggest that this variant is likely to be tolerated. In summary, the available evidence is currently insufficient to determine the role of this variant in disease. Therefore, it has been classified as a Variant of Uncertain Significance.

NM_020738.4(KIDINS220):c.2549G>A (p.Ser850Asn)

Gene: KIDINS220 (kinase D interacting substrate 220; minus strand). Cytogenetic location: 2p25.1.
Variant type: single nucleotide variant.
Coding change: c.2549G>A on transcript NM_020738.4 (MANE Select); coding-DNA position 2549, G replaced by A.
Protein change: p.Ser850Asn; replaces serine 850 with asparagine.
Molecular consequence: missense variant. On other transcripts: non-coding transcript variant (2).
Genome position (GRCh38, 1-based): chr2:8,778,961, C>T on the plus strand (G>A on the coding strand, the complement: KIDINS220 is on the minus strand). VCF-style: chr2-8778961-C-T. GRCh37 (hg19) VCF-style: chr2-8919091-C-T.
Other names: c.2549G>A (NM_020738.2); c.2552G>A, p.Ser851Asn (NM_001348729.2, NM_001348731.2, NM_001348734.2 and 3 more transcripts); c.2549G>A, p.Ser850Asn (NM_001348732.2, NM_001348735.2, NM_001348738.2 and 3 more transcripts); c.2423G>A, p.Ser808Asn (NM_001348736.2); short protein forms S808N, S851N, S850N.
Identifiers: ClinVar variation 1927688 (VCV001927688.3), dbSNP rs368726968, ClinGen allele CA1519952.
Genomic context (GRCh38, chr2:8,778,961, plus strand): 5'-GTATCTGAGCATGGAACGTCTCCATTTGTTGCTGAAGTTACGAGAAATTTTCTTGCATTG[C>T]TTAGTCCACGACTATTAAGGAACACAGGCAAGTGGACTATGTTGCGCATGTAGTCATGGC-3'
Protein context (NP_065789.1, residues 840-860): LPVFLNSRGL[Ser850Asn]NARKFLVTSA